The following is an entry in ClinVar:

ClinVar aggregate classification (germline): Uncertain significance (1 of 4 stars; one submission).

Conditions:
Primary ciliary dyskinesia. Also called: Ciliary dyskinesia. Identifiers: Orphanet 244, MedGen C0008780, MONDO:0016575, HP:0012265.

gnomAD v4.1: 1 of 1,210,377 alleles (0.000083%); highest among the groups gnomAD compares: Non-Finnish European, 0.00011%; no homozygotes.

Submission:

Labcorp Genetics (formerly Invitae), Labcorp
Classification: Uncertain significance for Primary ciliary dyskinesia. Last evaluated: 2024-10-27. Review status: criteria provided, single submitter. Criteria: Invitae Variant Classification Sherloc (09022015). Collection method: clinical testing. Allele origin: germline.
Comment: This sequence change replaces glutamic acid, which is acidic and polar, with alanine, which is neutral and non-polar, at codon 696 of the RPGR protein (p.Glu696Ala). This variant is not present in population databases (gnomAD no frequency). This variant has not been reported in the literature in individuals affected with RPGR-related conditions. Invitae Evidence Modeling of protein sequence and biophysical properties (such as structural, functional, and spatial information, amino acid conservation, physicochemical variation, residue mobility, and thermodynamic stability) indicates that this missense variant is not expected to disrupt RPGR protein function with a negative predictive value of 95%. In summary, the available evidence is currently insufficient to determine the role of this variant in disease. Therefore, it has been classified as a Variant of Uncertain Significance.

NC_000023.11:g.38276591T>G

Gene: RPGR (retinitis pigmentosa GTPase regulator; minus strand). Cytogenetic location: Xp11.4.
Variant type: single nucleotide variant.
Molecular consequence: missense variant (on NM_000328.3). On other transcripts: non-coding transcript variant (6).
Genome position: GRCh38 VCF-style: chrX-38276591-T-G. GRCh37 (hg19) VCF-style: chrX-38135844-T-G.
Other names: c.2087A>C, p.Glu696Ala (NM_000328.3); c.2084A>C, p.Glu695Ala (NM_001367245.1); c.1901A>C, p.Glu634Ala (NM_001367246.1); c.1754A>C, p.Glu585Ala (NM_001367247.1); c.1784A>C, p.Glu595Ala (NM_001367248.1); c.1751A>C, p.Glu584Ala (NM_001367249.1, NM_001367250.1); c.1568A>C, p.Glu523Ala (NM_001367251.1); short protein forms E695A, E696A, E523A, E585A, E584A, E595A, E634A.
Identifiers: ClinVar variation 3634877 (VCV003634877.2).
Genomic context (GRCh38, chrX:38,276,591, plus strand): 5'-AGAGAACCCATATGTTTTCTCCCAGGATCTCAGGATTTAAGCATCTATCATCATACCTTT[T>G]CAATAGTTTCAGCTGAGCTATCATCATTGGTTCTTTCTGCTCCTTCTGTTTTACTGTGAT-3'